The following is an entry in ClinVar:

ClinVar aggregate classification (germline): Uncertain significance (1 of 4 stars; one submission).

Conditions:
Familial sleep-related hypermotor epilepsy. Also called: Autosomal Dominant Sleep-Related Hypermotor (Hyperkinetic) Epilepsy. Identifiers: Orphanet 98784, MedGen C3696898, MONDO:0000030.

Submission:

Labcorp Genetics (formerly Invitae), Labcorp
Classification: Uncertain significance. Last evaluated: 2020-02-17. Review status: criteria provided, single submitter. Criteria: Invitae Variant Classification Sherloc (09022015). Collection method: clinical testing. Allele origin: germline.
Comment: This variant is not present in population databases (ExAC no frequency). This sequence change replaces leucine with proline at codon 19 of the CHRNA2 protein (p.Leu19Pro). The leucine residue is moderately conserved and there is a moderate physicochemical difference between leucine and proline. This variant has not been reported in the literature in individuals with CHRNA2-related conditions. In summary, the available evidence is currently insufficient to determine the role of this variant in disease. Therefore, it has been classified as a Variant of Uncertain Significance. Algorithms developed to predict the effect of missense changes on protein structure and function are either unavailable or do not agree on the potential impact of this missense change (SIFT: "Deleterious"; PolyPhen-2: "Benign"; Align-GVGD: "Class C0").

NM_000742.4(CHRNA2):c.56T>C (p.Leu19Pro)

Gene: CHRNA2 (cholinergic receptor nicotinic alpha 2 subunit; minus strand). Cytogenetic location: 8p21.2.
Variant type: single nucleotide variant.
Coding change: c.56T>C on transcript NM_000742.4 (MANE Select); coding-DNA position 56, T replaced by C.
Protein change: p.Leu19Pro; replaces leucine 19 with proline.
Molecular consequence: missense variant. On other transcripts: 5 prime UTR variant (4).
Genome position (GRCh38, 1-based): chr8:27,471,003, A>G on the plus strand (T>C on the coding strand, the complement: CHRNA2 is on the minus strand). VCF-style: chr8-27471003-A-G. GRCh37 (hg19) VCF-style: chr8-27328520-A-G.
Other names: c.56T>C, p.Leu19Pro (NM_001282455.2); c.-372T>C (NM_001347705.2); c.-417T>C (NM_001347706.2); c.-358T>C (NM_001347707.2); c.-406T>C (NM_001347708.2); short protein forms L19P.
Identifiers: ClinVar variation 1022560 (VCV001022560.5), dbSNP rs1812863482, ClinGen allele CA370813745.
Genomic context (GRCh38, chr8:27,471,003, plus strand): 5'-GGCATGAGATGAAGTCTTACAATGACAGGTGACAAACACTCACCTGCTGGGGTCAGAAGG[A>G]GCCACCACAGGCTGAGCTTTGTGAAGGACAGGAACACAGGACAGGAGGGGCCCATGGCTT-3'
Protein context (NP_000733.2, residues 9-29): LSFTKLSLWW[Leu19Pro]LLTPAGGEEA